The following is an entry in ClinVar:

NM_000038.6(APC):c.8478T>A (p.Ser2826Arg)

Gene: APC (APC regulator of Wnt signaling pathway; plus strand). Cytogenetic location: 5q22.2.
Variant type: single nucleotide variant.
Coding change: c.8478T>A on transcript NM_000038.6 (MANE Select); coding-DNA position 8478, T replaced by A.
Protein change: p.Ser2826Arg; replaces serine 2826 with arginine.
Molecular consequence: missense variant. On other transcripts: non-coding transcript variant (2).
Genome position (GRCh38, 1-based): chr5:112,844,072, T>A. VCF-style: chr5-112844072-T-A. GRCh37 (hg19) VCF-style: chr5-112179769-T-A.
Other names: c.8478T>A, p.Ser2826Arg (NM_001127510.3, NM_001354895.2, NM_001407450.1); c.8424T>A, p.Ser2808Arg (NM_001127511.3); c.8532T>A, p.Ser2844Arg (NM_001354896.2, NM_001407447.1, NM_001407448.1 and 1 more transcripts); c.8508T>A, p.Ser2836Arg (NM_001354897.2); c.8403T>A, p.Ser2801Arg (NM_001354898.2); c.8394T>A, p.Ser2798Arg (NM_001354899.2); c.8355T>A, p.Ser2785Arg (NM_001354900.2); c.8301T>A, p.Ser2767Arg (NM_001354901.2, NM_001407453.1); and 11 more; short protein forms S2442R, S2816R, S2819R, S2826R, S2836R, S2854R, S2543R, S2767R.
Identifiers: ClinVar variation 2566998 (VCV002566998.2), dbSNP rs2150006068, ClinGen allele CA16039723.

ClinVar aggregate classification (germline): Uncertain significance (1 of 4 stars; one submission).

Conditions:
Hereditary cancer-predisposing syndrome. Also called: Hereditary neoplastic syndrome; Hereditary Cancer Syndrome; Neoplastic Syndromes, Hereditary; Tumor predisposition. Identifiers: Orphanet 140162, MedGen C0027672, MeSH D009386, MONDO:0015356.

Submission:

Ambry Genetics
Classification: Uncertain significance for Hereditary cancer-predisposing syndrome. Last evaluated: 2023-04-26. Review status: criteria provided, single submitter. Criteria: Ambry Variant Classification Scheme 2023. Collection method: clinical testing. Allele origin: germline.
Comment: The p.S2826R variant (also known as c.8478T>A), located in coding exon 15 of the APC gene, results from a T to A substitution at nucleotide position 8478. The serine at codon 2826 is replaced by arginine, an amino acid with dissimilar properties. This amino acid position is conserved. In addition, in silico predictors for this gene do not accurately predict pathogenicity. Since supporting evidence is limited at this time, the clinical significance of this alteration remains unclear.